The following is an entry in ClinVar:

NM_001378454.1(ALMS1):c.2866T>C (p.Ser956Pro)

Gene: ALMS1 (ALMS1 centrosome and basal body associated protein; plus strand). Cytogenetic location: 2p13.1.
Variant type: single nucleotide variant.
Coding change: c.2866T>C on transcript NM_001378454.1 (MANE Select); coding-DNA position 2866, T replaced by C.
Protein change: p.Ser956Pro; replaces serine 956 with proline.
Molecular consequence: missense variant.
Genome position (GRCh38, 1-based): chr2:73,449,393, T>C. VCF-style: chr2-73449393-T-C. GRCh37 (hg19) VCF-style: chr2-73676520-T-C.
Other names: c.2869T>C, p.Ser957Pro (NM_015120.4); short protein forms S957P, S956P.
Identifiers: ClinVar variation 1797027 (VCV001797027.6), dbSNP rs1671879028, ClinGen allele CA347272580.
Genomic context (GRCh38, chr2:73,449,393, plus strand): 5'-GCTGTTTCTGTATTGGCTGCCCAGAAGACTGGGACACCAACAGTGTCCTCTAATTCTCAC[T>C]CACATAGCGAGAAATCTAGTGTTTTCTACCAGCAAGAGTTGCCAGACAGTGATCTACCTA-3'
Protein context (NP_001365383.1, residues 946-966): GTPTVSSNSH[Ser956Pro]HSEKSSVFYQ

ClinVar aggregate classification (germline): Conflicting classifications of pathogenicity. Review status: criteria provided, conflicting classifications (1 of 4 stars). 3 submissions from 3 submitters: Uncertain significance (2); Likely benign (1). Last evaluated 2025-03-19.

Conditions:
Alstrom syndrome (ALMS). Identifiers: Orphanet 64, MedGen C0268425, MONDO:0008763, OMIM 203800.
Cardiovascular phenotype. Identifiers: MedGen CN230736.

Allele frequency attached by ClinVar (database versions not stated): TOPMed below 0.00001.

Submissions (3):

Ambry Genetics
Classification: Likely benign for Cardiovascular phenotype. Last evaluated: 2025-03-19. Review status: criteria provided, single submitter. Criteria: Ambry Variant Classification Scheme 2023. Collection method: clinical testing. Allele origin: germline.

Blueprint Genetics
Classification: Uncertain significance. Last evaluated: 2022-08-11. Review status: criteria provided, single submitter. Criteria: ACMG Guidelines, 2015. Collection method: clinical testing. Allele origin: germline.

Labcorp Genetics (formerly Invitae), Labcorp
Classification: Uncertain significance for Alstrom syndrome. Last evaluated: 2022-04-30. Review status: criteria provided, single submitter. Criteria: Invitae Variant Classification Sherloc (09022015). Collection method: clinical testing. Allele origin: germline.
Comment: This sequence change replaces serine, which is neutral and polar, with proline, which is neutral and non-polar, at codon 957 of the ALMS1 protein (p.Ser957Pro). This variant is not present in population databases (gnomAD no frequency). This variant has not been reported in the literature in individuals affected with ALMS1-related conditions. Experimental studies and prediction algorithms are not available or were not evaluated, and the functional significance of this variant is currently unknown. In summary, the available evidence is currently insufficient to determine the role of this variant in disease. Therefore, it has been classified as a Variant of Uncertain Significance.